The following is an entry in ClinVar:

ClinVar aggregate classification (germline): Likely benign. Review status: criteria provided, single submitter (1 of 4 stars). 2 submissions from 2 submitters: Likely benign (1). 1 of the submissions does not count toward it. Last evaluated 2025-07-21.

Conditions:
Kabuki syndrome. Also called: NIIKAWA-KUROKI SYNDROME; Kabuki make-up syndrome. Identifiers: Orphanet 2322, MedGen C0796004, MONDO:0016512.
KMT2D-related disorder. Also called: KMT2D-Related Disorders.

Allele frequency attached by ClinVar (database versions not stated): ExAC 0.00001; gnomAD exomes 0.00001; gnomAD 0.00003 and 0.00004; TOPMed 0.00003.

Submissions (2):

Labcorp Genetics (formerly Invitae), Labcorp
Classification: Likely benign for Kabuki syndrome. Last evaluated: 2025-07-21. Review status: criteria provided, single submitter. Criteria: Invitae Variant Classification Sherloc (09022015). Collection method: clinical testing. Allele origin: germline.

PreventionGenetics, part of Exact Sciences
Classification: Likely benign for KMT2D-related condition. Last evaluated: 2021-03-29. Review status: no assertion criteria provided. Collection method: clinical testing. Allele origin: germline. Not counted in ClinVar's aggregate classification.
Comment: This variant is classified as likely benign based on ACMG/AMP sequence variant interpretation guidelines (Richards et al. 2015 PMID: 25741868, with internal and published modifications).

NM_003482.4(KMT2D):c.12816C>A (p.Gly4272=)

Gene: KMT2D (lysine methyltransferase 2D; minus strand). Cytogenetic location: 12q13.12.
Variant type: single nucleotide variant.
Coding change: c.12816C>A on transcript NM_003482.4 (MANE Select); coding-DNA position 12816, C replaced by A.
Protein change: p.Gly4272=; no amino-acid change (glycine 4272 retained).
Molecular consequence: synonymous variant.
Genome position (GRCh38, 1-based): chr12:49,031,889, G>T on the plus strand (C>A on the coding strand, the complement: KMT2D is on the minus strand). VCF-style: chr12-49031889-G-T. GRCh37 (hg19) VCF-style: chr12-49425672-G-T.
Identifiers: ClinVar variation 747001 (VCV000747001.10), dbSNP rs776004829, ClinGen allele CA6546128.